The following is an entry in ClinVar:

NM_000744.7(CHRNA4):c.1757C>T (p.Ser586Leu)

Gene: CHRNA4 (cholinergic receptor nicotinic alpha 4 subunit; minus strand). Cytogenetic location: 20q13.33.
Variant type: single nucleotide variant.
Coding change: c.1757C>T on transcript NM_000744.7 (MANE Select); coding-DNA position 1757, C replaced by T.
Protein change: p.Ser586Leu; replaces serine 586 with leucine.
Molecular consequence: missense variant. On other transcripts: non-coding transcript variant (1).
Genome position (GRCh38, 1-based): chr20:63,349,654, G>A on the plus strand (C>T on the coding strand, the complement: CHRNA4 is on the minus strand). VCF-style: chr20-63349654-G-A. GRCh37 (hg19) VCF-style: chr20-61981006-G-A.
Other names: p.S586L:TCG>TTG; c.1229C>T, p.Ser410Leu (NM_001256573.2); short protein forms S586L, S410L.
Identifiers: ClinVar variation 205039 (VCV000205039.39), dbSNP rs200644872, ClinGen allele CA313597.

ClinVar aggregate classification (germline): Conflicting classifications of pathogenicity. Review status: criteria provided, conflicting classifications (1 of 4 stars). 5 submissions from 5 submitters: Uncertain significance (3); Likely benign (2). Last evaluated 2025-01-20.

Conditions:
Familial sleep-related hypermotor epilepsy. Also called: Autosomal Dominant Sleep-Related Hypermotor (Hyperkinetic) Epilepsy. Identifiers: Orphanet 98784, MedGen C3696898, MONDO:0000030.
Inborn genetic diseases. Identifiers: MedGen C0950123, MeSH D030342.

Allele frequency attached by ClinVar (database versions not stated): TOPMed 0.00002; ExAC 0.00003; gnomAD 0.00003 and 0.00004.
gnomAD v4.1: 68 of 1,612,642 alleles (0.0042%); highest among the groups gnomAD compares: East Asian, 0.0067%; no homozygotes.

Submissions (5):

Ambry Genetics
Classification: Likely benign for Inborn genetic diseases. Last evaluated: 2025-01-20. Review status: criteria provided, single submitter. Criteria: Ambry Variant Classification Scheme 2023. Collection method: clinical testing. Allele origin: germline.

Labcorp Genetics (formerly Invitae), Labcorp
Classification: Likely benign. Last evaluated: 2024-05-15. Review status: criteria provided, single submitter. Criteria: Invitae Variant Classification Sherloc (09022015). Collection method: clinical testing. Allele origin: germline.

CeGaT Center for Human Genetics Tuebingen
Classification: Uncertain significance. Last evaluated: 2022-11-01. Review status: criteria provided, single submitter. Criteria: CeGaT Center For Human Genetics Tuebingen Variant Classification Criteria Version 2. Collection method: clinical testing. Allele origin: germline. Affected: yes. Observed: 1 variant allele.
Comment: CHRNA4: PM2:Supporting

GeneDx
Classification: Uncertain significance. Last evaluated: 2016-12-08. Review status: criteria provided, single submitter. Criteria: GeneDx Variant Classification (06012015). Collection method: clinical testing. Allele origin: germline. Affected: yes.
Comment: A variant of uncertain significance has been identified in the CHRNA4 gene. The S586L variant has not been published as a pathogenic variant, nor has it been reported as a benign variant to our knowledge. The S586L variant is not observed at a significant frequency in large population cohorts (Lek et al., 2016; 1000 Genomes Consortium et al., 2015; Exome Variant Server). The S586L variant is a non-conservative amino acid substitution, which is likely to impact secondary protein structure as these residues differ in polarity, charge, size and/or other properties. This substitution occurs at a position that is conserved across species, and in silico analysis predicts this variant is probably damaging to the protein structure/function. However, this amino acid substitution is not predicted to occur within the transmembrane region of the protein, where the vast majority of pathogenic missense variants have been identified in association with epilepsy (Steinlein et al., 2010). Therefore, based on the currently available information, it is unclear whether this variant is a pathogenic variant or a rare benign variant.

Center for Pediatric Genomic Medicine, Children's Mercy Hospital and Clinics
Classification: Uncertain significance. Last evaluated: 2016-02-01. Review status: criteria provided, single submitter. Criteria: ACMG Guidelines, 2015. Collection method: clinical testing. Allele origin: germline.
ClinVar note: Converted during submission from Uncertain Significance to Uncertain significance.